The following is an entry in ClinVar:

NM_001267550.2(TTN):c.89794G>C (p.Asp29932His)

Genes: TTN (titin; minus strand), TTN-AS1 (TTN antisense RNA 1; plus strand). Cytogenetic location: 2q31.2.
Variant type: single nucleotide variant.
Coding change: c.89794G>C on transcript NM_001267550.2 (MANE Select); coding-DNA position 89794, G replaced by C.
Protein change: p.Asp29932His; replaces aspartic acid 29932 with histidine.
Molecular consequence: missense variant.
Genome position (GRCh38, 1-based): chr2:178,553,106, C>G on the plus strand (G>C on the coding strand, the complement: TTN is on the minus strand). VCF-style: chr2-178553106-C-G. GRCh37 (hg19) VCF-style: chr2-179417833-C-G.
Other names: c.84871G>C, p.Asp28291His (NM_001256850.1); c.62599G>C, p.Asp20867His (NM_003319.4); c.82090G>C, p.Asp27364His (NM_133378.4); c.62974G>C, p.Asp20992His (NM_133432.3); c.63175G>C, p.Asp21059His (NM_133437.4); short protein forms D20867H, D20992H, D21059H, D27364H, D28291H, D29932H.
Identifiers: ClinVar variation 3901773 (VCV003901773.1).

ClinVar aggregate classification (germline): Uncertain significance (1 of 4 stars; one submission).

Submission:

GeneDx
Classification: Uncertain significance. Last evaluated: 2024-12-03. Review status: criteria provided, single submitter. Criteria: GeneDx Variant Classification Process June 2021. Collection method: clinical testing. Allele origin: germline. Affected: yes.
Comment: Not observed at significant frequency in large population cohorts (gnomAD); Missense variant in a gene in which most reported pathogenic variants are truncating/loss of function; Has not been previously published as pathogenic or benign to our knowledge